The following is an entry in ClinVar:

NM_000059.4(BRCA2):c.8474C>T (p.Ala2825Val)

Gene: BRCA2 (BRCA2 DNA repair associated; plus strand). Cytogenetic location: 13q13.1.
Variant type: single nucleotide variant.
Coding change: c.8474C>T on transcript NM_000059.4 (MANE Select); coding-DNA position 8474, C replaced by T.
Protein change: p.Ala2825Val; replaces alanine 2825 with valine.
Molecular consequence: missense variant.
Genome position (GRCh38, 1-based): chr13:32,370,544, C>T. VCF-style: chr13-32370544-C-T. GRCh37 (hg19) VCF-style: chr13-32944681-C-T.
Other names: short protein forms A2825V.
Identifiers: ClinVar variation 917700 (VCV000917700.10), dbSNP rs2072823455, ClinGen allele CA387752628.

ClinVar aggregate classification (germline): Uncertain significance. Review status: criteria provided, multiple submitters, no conflicts (2 of 4 stars). 2 submissions from 2 submitters: Uncertain significance (2). Last evaluated 2020-03-17.

Conditions:
Hereditary breast ovarian cancer syndrome. Also called: Hereditary breast and ovarian cancer; Hereditary breast and ovarian cancer syndrome (HBOC); Breast and ovarian cancer; Hereditary breast and ovarian cancer syndrome; BRCA1- and BRCA2-Associated Hereditary Breast and Ovarian Cancer; Hereditary breast and/or ovarian cancer syndrome. Identifiers: Orphanet 145, MedGen C0677776, MeSH D061325, MONDO:0003582. Disease mechanism: loss of function.

Submissions (2):

Labcorp Genetics (formerly Invitae), Labcorp
Classification: Uncertain significance for Hereditary breast ovarian cancer syndrome. Last evaluated: 2020-03-17. Review status: criteria provided, single submitter. Criteria: Invitae Variant Classification Sherloc (09022015). Collection method: clinical testing. Allele origin: germline.
Comment: This sequence change replaces alanine with valine at codon 2825 of the BRCA2 protein (p.Ala2825Val). The alanine residue is weakly conserved and there is a small physicochemical difference between alanine and valine. This variant is not present in population databases (ExAC no frequency). This variant has not been reported in the literature in individuals with BRCA2-related conditions. Algorithms developed to predict the effect of missense changes on protein structure and function output the following: SIFT: "Tolerated"; PolyPhen-2: "Benign"; Align-GVGD: "Class C0". The valine amino acid residue is found in multiple mammalian species, suggesting that this missense change does not adversely affect protein function. These predictions have not been confirmed by published functional studies and their clinical significance is uncertain. In summary, the available evidence is currently insufficient to determine the role of this variant in disease. Therefore, it has been classified as a Variant of Uncertain Significance.

Women's Health and Genetics/Laboratory Corporation of America, LabCorp
Classification: Uncertain significance. Last evaluated: 2020-02-12. Review status: criteria provided, single submitter. Criteria: LabCorp Variant Classification Summary - May 2015. Collection method: clinical testing. Allele origin: germline.
Comment: Variant summary: BRCA2 c.8474C>T (p.Ala2825Val) results in a non-conservative amino acid change in the encoded protein sequence. Four of five in-silico tools predict a benign effect of the variant on protein function. The variant was absent in 251318 control chromosomes. The available data on variant occurrences in the general population are insufficient to allow any conclusion about variant significance. To our knowledge, no occurrence of c.8474C>T in individuals affected with Hereditary Breast and Ovarian Cancer and no experimental evidence demonstrating its impact on protein function have been reported. No clinical diagnostic laboratories have submitted clinical-significance assessments for this variant to ClinVar after 2014. Based on the evidence outlined above, the variant was classified as uncertain significance.